The following is an entry in ClinVar:

NM_001048174.2(MUTYH):c.787A>C (p.Thr263Pro)

Gene: MUTYH (mutY DNA glycosylase; minus strand). Cytogenetic location: 1p34.1.
Variant type: single nucleotide variant.
Coding change: c.787A>C on transcript NM_001048174.2 (MANE Select); coding-DNA position 787, A replaced by C.
Protein change: p.Thr263Pro; replaces threonine 263 with proline.
Molecular consequence: missense variant. On other transcripts: non-coding transcript variant (7).
Genome position (GRCh38, 1-based): chr1:45,332,228, T>G on the plus strand (A>C on the coding strand, the complement: MUTYH is on the minus strand). VCF-style: chr1-45332228-T-G. GRCh37 (hg19) VCF-style: chr1-45797900-T-G.
Other names: c.787A>C, p.Thr263Pro (NM_001048171.2, NM_001048173.2, NM_001293195.2 and 6 more transcripts); c.790A>C, p.Thr264Pro (NM_001048172.2, NM_001407071.1, NM_001407078.1 and 1 more transcripts); c.871A>C, p.Thr291Pro (NM_001128425.2); c.832A>C, p.Thr278Pro (NM_001293190.2); c.820A>C, p.Thr274Pro (NM_001293191.2, NM_001407069.1, NM_001407077.1); c.511A>C, p.Thr171Pro (NM_001293192.2, NM_001293196.2, NM_001407091.1); c.442A>C, p.Thr148Pro (NM_001350650.2, NM_001350651.2, NM_001407082.1); c.703A>C, p.Thr235Pro (NM_001407075.1); and 5 more; short protein forms T235P, T249P, T263P, T264P, T288P, T148P, T250P, T274P.
Identifiers: ClinVar variation 3914962 (VCV003914962.1).
Genomic context (GRCh38, chr1:45,332,228, plus strand): 5'-TCTGGCGTGCCCGGCACAGGCTCTCCACAGGGCACTGGCTGCACAGTGGGCGCTGTGGGG[T>G]ACACACTGTGGCCCCTAGCTCCATGGCTGCTTGGTTGAAATCTCCTGGCCGGGCTGGGTC-3'
Protein context (NP_001041639.1, residues 253-273): AAMELGATVC[Thr263Pro]PQRPLCSQCP

ClinVar aggregate classification (germline): Uncertain significance (1 of 4 stars; one submission).

Conditions:
Hereditary cancer-predisposing syndrome. Also called: Hereditary Cancer Syndrome; Hereditary neoplastic syndrome; Neoplastic Syndromes, Hereditary; Tumor predisposition. Identifiers: Orphanet 140162, MedGen C0027672, MeSH D009386, MONDO:0015356.

Submission:

Ambry Genetics
Classification: Uncertain significance for Hereditary cancer-predisposing syndrome. Last evaluated: 2025-06-12. Review status: criteria provided, single submitter. Criteria: Ambry Variant Classification Scheme 2023. Collection method: clinical testing. Allele origin: germline.
Comment: The p.T291P variant (also known as c.871A>C), located in coding exon 10 of the MUTYH gene, results from an A to C substitution at nucleotide position 871. The threonine at codon 291 is replaced by proline, an amino acid with highly similar properties. This amino acid position is conserved. In addition, this alteration is predicted to be deleterious by in silico analysis. Based on the available evidence, the clinical significance of this variant remains unclear.